The following is an entry in ClinVar:

NM_004586.3(RPS6KA3):c.707C>T (p.Ala236Val)

Gene: RPS6KA3 (ribosomal protein S6 kinase A3; minus strand). Cytogenetic location: Xp22.12.
Variant type: single nucleotide variant.
Coding change: c.707C>T on transcript NM_004586.3 (MANE Select); coding-DNA position 707, C replaced by T.
Protein change: p.Ala236Val; replaces alanine 236 with valine.
Molecular consequence: missense variant.
Genome position (GRCh38, 1-based): chrX:20,187,895, G>A on the plus strand (C>T on the coding strand, the complement: RPS6KA3 is on the minus strand). VCF-style: chrX-20187895-G-A. GRCh37 (hg19) VCF-style: chrX-20206013-G-A.
Other names: short protein forms A236V.
Identifiers: ClinVar variation 583397 (VCV000583397.7), dbSNP rs1569216043, ClinGen allele CA412508272.

ClinVar aggregate classification (germline): Uncertain significance (1 of 4 stars; one submission).

Conditions:
Coffin-Lowry syndrome (CLS). Also called: COFFIN-LOWRY SYNDROME, MILD; Mental retardation with osteocartilaginous abnormalities. Identifiers: Orphanet 192, MedGen C0265252, MONDO:0010561, OMIM 303600.
Intellectual developmental disorder, X-linked 19. Also called: Intellectual disability, X-linked 19. Identifiers: Orphanet 777, MedGen C0796225, MONDO:0010447, OMIM 300844.

Submission:

Labcorp Genetics (formerly Invitae), Labcorp
Classification: Uncertain significance for Coffin-Lowry syndrome; Intellectual developmental disorder, X-linked 19. Last evaluated: 2018-06-28. Review status: criteria provided, single submitter. Criteria: Invitae Variant Classification Sherloc (09022015). Collection method: clinical testing. Allele origin: germline.
Comment: In summary, the available evidence is currently insufficient to determine the role of this variant in disease. Therefore, it has been classified as a Variant of Uncertain Significance. Algorithms developed to predict the effect of missense changes on protein structure and function are either unavailable or do not agree on the potential impact of this missense change (SIFT: "Deleterious"; PolyPhen-2: "Probably Damaging"; Align-GVGD: "Class C0"). This sequence change replaces alanine with valine at codon 236 of the RPS6KA3 protein (p.Ala236Val). The alanine residue is highly conserved and there is a small physicochemical difference between alanine and valine. This variant is not present in population databases (ExAC no frequency).

Literature cited by the submitters: PubMed 16879200.